The following is an entry in ClinVar:

ClinVar aggregate classification (germline): Uncertain significance (1 of 4 stars; one submission).

Conditions:
Inborn genetic diseases. Identifiers: MedGen C0950123, MeSH D030342.

Allele frequency attached by ClinVar (database versions not stated): TOPMed below 0.00001; ExAC 0.00001; gnomAD 0.00001.
gnomAD v4.1: 8 of 1,612,870 alleles (0.0005%); highest among the groups gnomAD compares: African/African-American, 0.0013%; no homozygotes.

Submission:

Ambry Genetics
Classification: Uncertain significance for Inborn genetic diseases. Last evaluated: 2021-03-09. Review status: criteria provided, single submitter. Criteria: Ambry Variant Classification Scheme 2023. Collection method: clinical testing. Allele origin: germline.
Comment: The p.V829M variant (also known as c.2485G>A), located in coding exon 15 of the TRPV4 gene, results from a G to A substitution at nucleotide position 2485. The valine at codon 829 is replaced by methionine, an amino acid with highly similar properties. This amino acid position is well conserved in available vertebrate species. In addition, the in silico prediction for this alteration is inconclusive. Since supporting evidence is limited at this time, the clinical significance of this alteration remains unclear.

NM_021625.5(TRPV4):c.2485G>A (p.Val829Met)

Gene: TRPV4 (transient receptor potential cation channel subfamily V member 4; minus strand). Cytogenetic location: 12q24.11.
Variant type: single nucleotide variant.
Coding change: c.2485G>A on transcript NM_021625.5 (MANE Select); coding-DNA position 2485, G replaced by A.
Protein change: p.Val829Met; replaces valine 829 with methionine.
Molecular consequence: missense variant.
Genome position (GRCh38, 1-based): chr12:109,783,752, C>T on the plus strand (G>A on the coding strand, the complement: TRPV4 is on the minus strand). VCF-style: chr12-109783752-C-T. GRCh37 (hg19) VCF-style: chr12-110221557-C-T.
Other names: c.2305G>A, p.Val769Met (NM_147204.3); c.2344G>A, p.Val782Met (NM_001177428.2); c.2383G>A, p.Val795Met (NM_001177431.2); c.2164G>A, p.Val722Met (NM_001177433.2); short protein forms V829M, V722M, V769M, V782M, V795M.
Identifiers: ClinVar variation 1791983 (VCV001791983.2), dbSNP rs774612613, ClinGen allele CA6779876.